The following is an entry in ClinVar:

ClinVar aggregate classification (germline): Uncertain significance (1 of 4 stars; one submission).

Conditions:
Primary ciliary dyskinesia. Also called: Ciliary dyskinesia. Identifiers: Orphanet 244, MedGen C0008780, MONDO:0016575, HP:0012265.

Allele frequency attached by ClinVar (database versions not stated): gnomAD exomes below 0.00001.
gnomAD v4.1: 1 of 1,611,510 alleles (0.000062%); highest among the groups gnomAD compares: Admixed American, 0.0017%; no homozygotes.

Submission:

Labcorp Genetics (formerly Invitae), Labcorp
Classification: Uncertain significance for Primary ciliary dyskinesia. Last evaluated: 2024-04-08. Review status: criteria provided, single submitter. Criteria: Invitae Variant Classification Sherloc (09022015). Collection method: clinical testing. Allele origin: germline.
Comment: This sequence change replaces arginine, which is basic and polar, with glycine, which is neutral and non-polar, at codon 2607 of the DNAH11 protein (p.Arg2607Gly). This variant is not present in population databases (gnomAD no frequency). This variant has not been reported in the literature in individuals affected with DNAH11-related conditions. ClinVar contains an entry for this variant (Variation ID: 2010108). Advanced modeling of protein sequence and biophysical properties (such as structural, functional, and spatial information, amino acid conservation, physicochemical variation, residue mobility, and thermodynamic stability) performed at Invitae indicates that this missense variant is not expected to disrupt DNAH11 protein function with a negative predictive value of 80%. In summary, the available evidence is currently insufficient to determine the role of this variant in disease. Therefore, it has been classified as a Variant of Uncertain Significance.

NM_001277115.2(DNAH11):c.7819A>G (p.Arg2607Gly)

Gene: DNAH11 (dynein axonemal heavy chain 11; plus strand). Cytogenetic location: 7p15.3.
Variant type: single nucleotide variant.
Coding change: c.7819A>G on transcript NM_001277115.2 (MANE Select); coding-DNA position 7819, A replaced by G.
Protein change: p.Arg2607Gly; replaces arginine 2607 with glycine.
Molecular consequence: missense variant.
Genome position (GRCh38, 1-based): chr7:21,739,578, A>G. VCF-style: chr7-21739578-A-G. GRCh37 (hg19) VCF-style: chr7-21779196-A-G.
Other names: c.7840A>G, p.Arg2614Gly (NM_003777.3); short protein forms R2607G, R2614G.
Identifiers: ClinVar variation 2010108 (VCV002010108.4), dbSNP rs2535099103, ClinGen allele CA366950778.